The following is an entry in ClinVar:

NM_144643.4(SCLT1):c.1540C>G (p.Leu514Val)

Gene: SCLT1 (sodium channel and clathrin linker 1; minus strand). Cytogenetic location: 4q28.2.
Variant type: single nucleotide variant.
Coding change: c.1540C>G on transcript NM_144643.4 (MANE Select); coding-DNA position 1540, C replaced by G.
Protein change: p.Leu514Val; replaces leucine 514 with valine.
Molecular consequence: missense variant. On other transcripts: intron variant (1).
Genome position (GRCh38, 1-based): chr4:128,943,088, G>C on the plus strand (C>G on the coding strand, the complement: SCLT1 is on the minus strand). VCF-style: chr4-128943088-G-C. GRCh37 (hg19) VCF-style: chr4-129864243-G-C.
Other names: c.1439+2919C>G (NM_001410807.1); short protein forms L514V.
Identifiers: ClinVar variation 4988516 (VCV004988516.1).

ClinVar aggregate classification (germline): Uncertain significance (1 of 4 stars; one submission).

Conditions:
SCLT1-related disorder. Also called: SCLT1-related condition.

Submission:

PreventionGenetics, part of Exact Sciences
Classification: Uncertain significance for SCLT1-related condition. Last evaluated: 2026-07-31. Review status: criteria provided, single submitter. Criteria: ACMG Guidelines, 2015. Collection method: clinical testing. Allele origin: germline.
Comment: The SCLT1 c.1540C>G variant is predicted to result in the amino acid substitution p.Leu514Val. To our knowledge, this variant has not been reported in the literature or in a large population database (gnomAD), indicating this variant is rare. At this time, the clinical significance of this variant is uncertain due to the absence of conclusive functional and genetic evidence.